The following is an entry in ClinVar:

NM_004655.4(AXIN2):c.711C>G (p.Ala237=)

Gene: AXIN2 (axin 2; minus strand). Cytogenetic location: 17q24.1.
Variant type: single nucleotide variant.
Coding change: c.711C>G on transcript NM_004655.4 (MANE Select); coding-DNA position 711, C replaced by G.
Protein change: p.Ala237=; no amino-acid change (alanine 237 retained).
Molecular consequence: synonymous variant.
Genome position (GRCh38, 1-based): chr17:65,557,910, G>C on the plus strand (C>G on the coding strand, the complement: AXIN2 is on the minus strand). VCF-style: chr17-65557910-G-C. GRCh37 (hg19) VCF-style: chr17-63554028-G-C.
Other names: c.711C>G (LRG_296t1); c.711C>G, p.Ala237= (NM_001363813.1).
Identifiers: ClinVar variation 464640 (VCV000464640.13), dbSNP rs768230770, ClinGen allele CA501691374.

ClinVar aggregate classification (germline): Benign/Likely benign. Review status: criteria provided, multiple submitters, no conflicts (2 of 4 stars). 3 submissions from 3 submitters: Benign (1); Likely benign (2). Last evaluated 2025-10-25.

Conditions:
Oligodontia-cancer predisposition syndrome. Also called: TOOTH AGENESIS-COLORECTAL CANCER SYNDROME. Identifiers: Orphanet 300576, MedGen C1837750, MONDO:0012075, OMIM 608615. Disease mechanism: loss of function.
Hereditary cancer-predisposing syndrome. Also called: Neoplastic Syndromes, Hereditary; Tumor predisposition; Hereditary Cancer Syndrome; Hereditary neoplastic syndrome. Identifiers: Orphanet 140162, MedGen C0027672, MeSH D009386, MONDO:0015356.

Submissions (3):

Ambry Genetics
Classification: Likely benign for Hereditary cancer-predisposing syndrome. Last evaluated: 2025-10-25. Review status: criteria provided, single submitter. Criteria: Ambry Variant Classification Scheme 2023. Collection method: clinical testing. Allele origin: germline.

Myriad Genetics, Inc.
Classification: Benign for Oligodontia-cancer predisposition syndrome. Last evaluated: 2024-06-27. Review status: criteria provided, single submitter. Criteria: Myriad Autosomal Dominant, Autosomal Recessive and X-Linked Classification Criteria (2023). Collection method: clinical testing. Allele origin: unknown.
Comment: This variant is considered benign. This variant is a silent/synonymous amino acid change and it is not expected to impact splicing.

Labcorp Genetics (formerly Invitae), Labcorp
Classification: Likely benign for Oligodontia-cancer predisposition syndrome. Last evaluated: 2023-03-10. Review status: criteria provided, single submitter. Criteria: Invitae Variant Classification Sherloc (09022015). Collection method: clinical testing. Allele origin: germline.